The following is an entry in ClinVar:

ClinVar aggregate classification (germline): Uncertain significance (1 of 4 stars; one submission).

Submission:

GeneDx
Classification: Uncertain significance. Last evaluated: 2025-03-31. Review status: criteria provided, single submitter. Criteria: GeneDx Variant Classification Process June 2021. Collection method: clinical testing. Allele origin: germline. Affected: yes.
Comment: Not observed at significant frequency in large population cohorts (gnomAD); In silico analysis supports that this missense variant has a deleterious effect on protein structure/function; Has not been previously published as pathogenic or benign to our knowledge

NM_007118.4(TRIO):c.1241A>G (p.Tyr414Cys)

Gene: TRIO (trio Rho guanine nucleotide exchange factor; plus strand). Cytogenetic location: 5p15.2.
Variant type: single nucleotide variant.
Coding change: c.1241A>G on transcript NM_007118.4 (MANE Select); coding-DNA position 1241, A replaced by G.
Protein change: p.Tyr414Cys; replaces tyrosine 414 with cysteine.
Molecular consequence: missense variant. On other transcripts: non-coding transcript variant (1).
Genome position (GRCh38, 1-based): chr5:14,297,136, A>G. VCF-style: chr5-14297136-A-G. GRCh37 (hg19) VCF-style: chr5-14297245-A-G.
Other names: short protein forms Y414C.
Identifiers: ClinVar variation 4278831 (VCV004278831.1).